The following is an entry in ClinVar:

NM_198525.3(KIF7):c.2233A>T (p.Ile745Phe)

Gene: KIF7 (kinesin family member 7; minus strand). Cytogenetic location: 15q26.1.
Variant type: single nucleotide variant.
Coding change: c.2233A>T on transcript NM_198525.3 (MANE Select); coding-DNA position 2233, A replaced by T.
Protein change: p.Ile745Phe; replaces isoleucine 745 with phenylalanine.
Molecular consequence: missense variant.
Genome position (GRCh38, 1-based): chr15:89,642,364, T>A on the plus strand (A>T on the coding strand, the complement: KIF7 is on the minus strand). VCF-style: chr15-89642364-T-A. GRCh37 (hg19) VCF-style: chr15-90185595-T-A.
Other names: short protein forms I745F.
Identifiers: ClinVar variation 4726471 (VCV004726471.1).

ClinVar aggregate classification (germline): Uncertain significance (1 of 4 stars; one submission).

Conditions:
Acrocallosal syndrome (ACLS). Also called: HALLUX DUPLICATION, POSTAXIAL POLYDACTYLY, AND ABSENCE OF CORPUS CALLOSUM; Schinzel syndrome 1; Absence of corpus callosum with unusual facial appearance, mental deficiency, duplication of the halluces and polydactyly. Identifiers: Orphanet 36, MedGen C0796147, MONDO:0008708, OMIM 200990.

gnomAD v4.1: 12 of 1,609,716 alleles (0.00075%); highest among the groups gnomAD compares: African/African-American, 0.016%; no homozygotes.

Submission:

Labcorp Genetics (formerly Invitae), Labcorp
Classification: Uncertain significance for Acrocallosal syndrome. Last evaluated: 2025-07-16. Review status: criteria provided, single submitter. Criteria: Invitae Variant Classification Sherloc (09022015). Collection method: clinical testing. Allele origin: germline.
Comment: This sequence change replaces isoleucine, which is neutral and non-polar, with phenylalanine, which is neutral and non-polar, at codon 745 of the KIF7 protein (p.Ile745Phe). This variant is present in population databases (no rsID available, gnomAD 0.009%). This variant has not been reported in the literature in individuals affected with KIF7-related conditions. Invitae Evidence Modeling of protein sequence and biophysical properties (such as structural, functional, and spatial information, amino acid conservation, physicochemical variation, residue mobility, and thermodynamic stability) has been performed for this missense variant. However, the output from this modeling did not meet the statistical confidence thresholds required to predict the impact of this variant on KIF7 protein function. In summary, the available evidence is currently insufficient to determine the role of this variant in disease. Therefore, it has been classified as a Variant of Uncertain Significance.